The following is an entry in ClinVar:

ClinVar aggregate classification (germline): Uncertain significance (1 of 4 stars; one submission).

Submission:

GeneDx
Classification: Uncertain significance. Last evaluated: 2025-06-02. Review status: criteria provided, single submitter. Criteria: GeneDx Variant Classification Process June 2021. Collection method: clinical testing. Allele origin: germline. Affected: yes.
Comment: Not observed at significant frequency in large population cohorts (gnomAD); Insertion of variant changes the intronic +5 splice site variant in a gene for which loss of function is a known mechanism of disease, and both splice predictors and evolutionary conservation support a deleterious effect, although in the absence of functional evidence the actual effect of this sequence change is unknown; Has not been previously published as pathogenic or benign to our knowledge

NM_000168.6(GLI3):c.1497+2dup

Gene: GLI3 (GLI family zinc finger 3; minus strand). Cytogenetic location: 7p14.1.
Variant type: Duplication.
Coding change: c.1497+2dup on transcript NM_000168.6 (MANE Select); the canonical splice donor site of the intron after coding-DNA position 1497, one base duplicated (T; older notation c.1497+2dupT).
Molecular consequence: splice donor variant.
Genome position (GRCh38, 1-based): chr7:42,023,466, A duplicated on the plus strand (T on the coding strand, the reverse complement: GLI3 is on the minus strand). VCF-style (leftmost placement, unchanged base first): chr7-42023465-T-TA. GRCh37 (hg19) VCF-style: chr7-42063064-T-TA.
Identifiers: ClinVar variation 4536345 (VCV004536345.1).
Genomic context (GRCh38, chr7:42,023,465, plus strand): 5'-GCTGACCTCCCTGGAAAGTGTCACAGAGCTGTAAAGCTCGGTTCCTGAATACCATCCACT[T>TA]ACGTGCACAAGCTGCTCTTGGGTGTCGAACTCCCTCGCGCAGCCTTCCCAGTGGCAGTTT-3'